The following is an entry in ClinVar:

ClinVar aggregate classification (germline): Uncertain significance. Review status: criteria provided, multiple submitters, no conflicts (2 of 4 stars). 2 submissions from 2 submitters: Uncertain significance (2). Last evaluated 2024-04-06.

Conditions:
Inborn genetic diseases. Identifiers: MedGen C0950123, MeSH D030342.
Spastic paraplegia. Identifiers: MedGen C0037772, HP:0001258.

Allele frequency attached by ClinVar (database versions not stated): gnomAD 0.00001; gnomAD exomes 0.00001; ExAC 0.00002; TOPMed 0.00002.
gnomAD v4.1: 9 of 1,613,998 alleles (0.00056%); highest among the groups gnomAD compares: Admixed American, 0.0017%; no homozygotes.

Submissions (2):

Ambry Genetics
Classification: Uncertain significance for Inborn genetic diseases. Last evaluated: 2024-04-06. Review status: criteria provided, single submitter. Criteria: Ambry Variant Classification Scheme 2023. Collection method: clinical testing. Allele origin: germline.

Labcorp Genetics (formerly Invitae), Labcorp
Classification: Uncertain significance for Spastic paraplegia. Last evaluated: 2022-05-07. Review status: criteria provided, single submitter. Criteria: Invitae Variant Classification Sherloc (09022015). Collection method: clinical testing. Allele origin: germline.
Comment: This sequence change replaces serine, which is neutral and polar, with leucine, which is neutral and non-polar, at codon 1897 of the ZFYVE26 protein (p.Ser1897Leu). This variant is present in population databases (rs752859634, gnomAD 0.003%). This variant has not been reported in the literature in individuals affected with ZFYVE26-related conditions. Algorithms developed to predict the effect of missense changes on protein structure and function output the following: SIFT: "Deleterious"; PolyPhen-2: "Benign"; Align-GVGD: "Class C0". The leucine amino acid residue is found in multiple mammalian species, which suggests that this missense change does not adversely affect protein function. In summary, the available evidence is currently insufficient to determine the role of this variant in disease. Therefore, it has been classified as a Variant of Uncertain Significance.

NM_015346.4(ZFYVE26):c.5690C>T (p.Ser1897Leu)

Gene: ZFYVE26 (zinc finger FYVE-type containing 26; minus strand). Cytogenetic location: 14q24.1.
Variant type: single nucleotide variant.
Coding change: c.5690C>T on transcript NM_015346.4 (MANE Select); coding-DNA position 5690, C replaced by T.
Protein change: p.Ser1897Leu; replaces serine 1897 with leucine.
Molecular consequence: missense variant.
Genome position (GRCh38, 1-based): chr14:67,767,804, G>A on the plus strand (C>T on the coding strand, the complement: ZFYVE26 is on the minus strand). VCF-style: chr14-67767804-G-A. GRCh37 (hg19) VCF-style: chr14-68234521-G-A.
Other names: c.5690C>T (NM_015346.3); short protein forms S1897L.
Identifiers: ClinVar variation 2166910 (VCV002166910.2), dbSNP rs752859634, ClinGen allele CA7239413.